The following is an entry in ClinVar:

NM_015352.2(POFUT1):c.203C>G (p.Pro68Arg)

Gene: POFUT1 (protein O-fucosyltransferase 1; plus strand). Cytogenetic location: 20q11.21.
Variant type: single nucleotide variant.
Coding change: c.203C>G on transcript NM_015352.2 (MANE Select); coding-DNA position 203, C replaced by G.
Protein change: p.Pro68Arg; replaces proline 68 with arginine.
Molecular consequence: missense variant.
Genome position (GRCh38, 1-based): chr20:32,210,149, C>G. VCF-style: chr20-32210149-C-G. GRCh37 (hg19) VCF-style: chr20-30797952-C-G.
Other names: c.203C>G, p.Pro68Arg (NM_172236.2); short protein forms P68R.
Identifiers: ClinVar variation 3252625 (VCV003252625.1), dbSNP rs2516174086.

ClinVar aggregate classification (germline): Uncertain significance (1 of 4 stars; one submission).

Submission:

GeneDx
Classification: Uncertain significance. Last evaluated: 2023-10-30. Review status: criteria provided, single submitter. Criteria: GeneDx Variant Classification Process June 2021. Collection method: clinical testing. Allele origin: germline. Affected: yes.
Comment: Not observed at significant frequency in large population cohorts (gnomAD); In silico analysis supports that this missense variant has a deleterious effect on protein structure/function; Has not been previously published as pathogenic or benign to our knowledge